The following is an entry in ClinVar:

ClinVar aggregate classification (germline): Pathogenic. Review status: criteria provided, multiple submitters, no conflicts (2 of 4 stars). 2 submissions from 2 submitters: Pathogenic (2). Last evaluated 2021-07-26.

Conditions:
Salla disease (SD). Also called: Sialuria, Finnish type; N-acetylneuraminic acid (NANA) storage disease (NSD); Infantile sialic acid storage disorder (ISSD); Less Severe FSASD (Salla Disease). Identifiers: Orphanet 309334, Orphanet 834, MedGen C1096903, MONDO:0011449, OMIM 604369.

Submissions (2):

Labcorp Genetics (formerly Invitae), Labcorp
Classification: Pathogenic for Salla disease. Last evaluated: 2021-07-26. Review status: criteria provided, single submitter. Criteria: Invitae Variant Classification Sherloc (09022015). Collection method: clinical testing. Allele origin: germline.
Comment: For these reasons, this variant has been classified as Pathogenic. Algorithms developed to predict the effect of sequence changes on RNA splicing suggest that this variant may disrupt the consensus splice site. ClinVar contains an entry for this variant (Variation ID: 420186). Disruption of this splice site has been observed in individuals with free sialic acid storage disorders (PMID: 12794688, 15805149). This variant is not present in population databases (ExAC no frequency). This sequence change affects a donor splice site in intron 9 of the SLC17A5 gene. It is expected to disrupt RNA splicing. Variants that disrupt the donor or acceptor splice site typically lead to a loss of protein function (PMID: 16199547), and loss-of-function variants in SLC17A5 are known to be pathogenic (PMID: 10581036, 10947946, 15172001).

GeneDx
Classification: Pathogenic. Last evaluated: 2017-03-02. Review status: criteria provided, single submitter. Criteria: GeneDx Variant Classification (06012015). Collection method: clinical testing. Allele origin: germline. Affected: yes.
Comment: The c.1259+2T>C variant in the SLC17A5 gene has not been reported previously as a pathogenic variant nor as a benign variant, to our knowledge. This splice site variant destroys the canonical splice donor site in intron 9. It is predicted to cause abnormal gene splicing, either leading to an abnormal message that is subject to nonsense-mediated mRNA decay, or to an abnormal protein product if the message is used for protein translation. The c.1259+2T>C variant is not observed in large population cohorts (Lek et al., 2016; 1000 Genomes Consortium et al., 2015; Exome Variant Server). We interpret c.1259+2T>C as a pathogenic variant.

Literature cited by the submitters: PubMed 12794688 (cited by Labcorp Genetics (formerly Invitae), Labcorp); PubMed 15805149 (cited by Labcorp Genetics (formerly Invitae), Labcorp); PubMed 16199547 (cited by Labcorp Genetics (formerly Invitae), Labcorp); PubMed 10581036 (cited by Labcorp Genetics (formerly Invitae), Labcorp); PubMed 10947946 (cited by Labcorp Genetics (formerly Invitae), Labcorp); PubMed 15172001 (cited by Labcorp Genetics (formerly Invitae), Labcorp).

NM_012434.5(SLC17A5):c.1259+2T>C

Gene: SLC17A5 (solute carrier family 17 member 5; minus strand). Cytogenetic location: 6q13.
Variant type: single nucleotide variant.
Coding change: c.1259+2T>C on transcript NM_012434.5 (MANE Select); the canonical splice donor site of the intron after coding-DNA position 1259, T replaced by C.
Molecular consequence: splice donor variant.
Genome position (GRCh38, 1-based): chr6:73,610,398, A>G on the plus strand (T>C on the coding strand, the complement: SLC17A5 is on the minus strand). VCF-style: chr6-73610398-A-G. GRCh37 (hg19) VCF-style: chr6-74320121-A-G.
Other names: c.941+2T>C (NM_001382636.1); c.1028+2T>C (NM_001382629.1); c.1172+2T>C (NM_001382632.1); c.1256+2T>C (NM_001382635.1); c.1100+2T>C (NM_001382634.1); c.1259+2T>C (NM_001382630.1, NM_001382633.1); c.1280+2T>C (NM_001382631.1).
Identifiers: ClinVar variation 420186 (VCV000420186.8), dbSNP rs1064794334, ClinGen allele CA16618305.